The following is an entry in ClinVar:

NM_199355.4(ADAMTS18):c.578C>A (p.Ser193Tyr)

Gene: ADAMTS18 (ADAM metallopeptidase with thrombospondin type 1 motif 18; minus strand). Cytogenetic location: 16q23.1.
Variant type: single nucleotide variant.
Coding change: c.578C>A on transcript NM_199355.4 (MANE Select); coding-DNA position 578, C replaced by A.
Protein change: p.Ser193Tyr; replaces serine 193 with tyrosine.
Molecular consequence: missense variant.
Genome position (GRCh38, 1-based): chr16:77,367,641, G>T on the plus strand (C>A on the coding strand, the complement: ADAMTS18 is on the minus strand). VCF-style: chr16-77367641-G-T. GRCh37 (hg19) VCF-style: chr16-77401538-G-T.
Other names: c.58C>A, p.Pro20Thr (NM_001326358.2); short protein forms P20T, S193Y.
Identifiers: ClinVar variation 1989429 (VCV001989429.4), dbSNP rs555580484, ClinGen allele CA284377382.

ClinVar aggregate classification (germline): Uncertain significance (1 of 4 stars; one submission).

Allele frequency attached by ClinVar (database versions not stated): gnomAD 0.00001; TOPMed 0.00002.
gnomAD v4.1: 6 of 1,614,072 alleles (0.00037%); highest among the groups gnomAD compares: Non-Finnish European, 0.00051%; no homozygotes.

Submission:

Labcorp Genetics (formerly Invitae), Labcorp
Classification: Uncertain significance. Last evaluated: 2022-04-09. Review status: criteria provided, single submitter. Criteria: Invitae Variant Classification Sherloc (09022015). Collection method: clinical testing. Allele origin: germline.
Comment: In summary, the available evidence is currently insufficient to determine the role of this variant in disease. Therefore, it has been classified as a Variant of Uncertain Significance. Algorithms developed to predict the effect of missense changes on protein structure and function are either unavailable or do not agree on the potential impact of this missense change (SIFT: "Not Available"; PolyPhen-2: "Benign"; Align-GVGD: "Not Available"). This variant has not been reported in the literature in individuals affected with ADAMTS18-related conditions. This variant is present in population databases (rs555580484, gnomAD 0.007%). This sequence change replaces serine, which is neutral and polar, with tyrosine, which is neutral and polar, at codon 193 of the ADAMTS18 protein (p.Ser193Tyr).